The following is an entry in ClinVar:

NM_001999.4(FBN2):c.7250G>T (p.Gly2417Val)

Gene: FBN2 (fibrillin 2; minus strand). Cytogenetic location: 5q23.3.
Variant type: single nucleotide variant.
Coding change: c.7250G>T on transcript NM_001999.4 (MANE Select); coding-DNA position 7250, G replaced by T.
Protein change: p.Gly2417Val; replaces glycine 2417 with valine.
Molecular consequence: missense variant.
Genome position (GRCh38, 1-based): chr5:128,278,730, C>A on the plus strand (G>T on the coding strand, the complement: FBN2 is on the minus strand). VCF-style: chr5-128278730-C-A. GRCh37 (hg19) VCF-style: chr5-127614422-C-A.
Other names: short protein forms G2417V.
Identifiers: ClinVar variation 263827 (VCV000263827.10), dbSNP rs886038938, ClinGen allele CA10587599.

ClinVar aggregate classification (germline): Uncertain significance. Review status: criteria provided, multiple submitters, no conflicts (2 of 4 stars). 2 submissions from 2 submitters: Uncertain significance (2). Last evaluated 2023-09-05.

Conditions:
Familial thoracic aortic aneurysm and aortic dissection (TAAD). Also called: Thoracic aortic aneurysms and dissections. Identifiers: Orphanet 91387, MedGen C4707243, MONDO:0019625.
Congenital contractural arachnodactyly (CCA). Also called: BEALS SYNDROME; Beals-Hecht syndrome; Arthrogryposis, distal, type 9. Identifiers: Orphanet 115, MedGen C0220668, MONDO:0007363, OMIM 121050.

Allele frequency attached by ClinVar (database versions not stated): gnomAD exomes below 0.00001.
gnomAD v4.1: 1 of 1,614,158 alleles (0.000062%); highest among the groups gnomAD compares: Non-Finnish European, 0.000085%; no homozygotes.

Submissions (2):

Labcorp Genetics (formerly Invitae), Labcorp
Classification: Uncertain significance for Congenital contractural arachnodactyly. Last evaluated: 2023-09-05. Review status: criteria provided, single submitter. Criteria: Invitae Variant Classification Sherloc (09022015). Collection method: clinical testing. Allele origin: germline.
Comment: In summary, the available evidence is currently insufficient to determine the role of this variant in disease. Therefore, it has been classified as a Variant of Uncertain Significance. Advanced modeling of protein sequence and biophysical properties (such as structural, functional, and spatial information, amino acid conservation, physicochemical variation, residue mobility, and thermodynamic stability) performed at Invitae indicates that this missense variant is not expected to disrupt FBN2 protein function. ClinVar contains an entry for this variant (Variation ID: 263827). This variant has not been reported in the literature in individuals affected with FBN2-related conditions. This variant is not present in population databases (gnomAD no frequency). This sequence change replaces glycine, which is neutral and non-polar, with valine, which is neutral and non-polar, at codon 2417 of the FBN2 protein (p.Gly2417Val).

Ambry Genetics
Classification: Uncertain significance for Familial thoracic aortic aneurysm and aortic dissection. Last evaluated: 2016-09-29. Review status: criteria provided, single submitter. Criteria: Ambry Variant Classification Scheme 2023. Collection method: clinical testing. Allele origin: germline.
Comment: The p.G2417V variant (also known as c.7250G>T), located in coding exon 57 of the FBN2 gene, results from a G to T substitution at nucleotide position 7250. The glycine at codon 2417 is replaced by valine, an amino acid with dissimilar properties. This variant was not reported in population-based cohorts in the following databases: Database of Single Nucleotide Polymorphisms (dbSNP), NHLBI Exome Sequencing Project (ESP), and 1000 Genomes Project. In the ESP, this variant was not observed in 6503 samples (13006 alleles) with coverage at this position. This amino acid position is highly conserved in available vertebrate species. In addition, this alteration is predicted to be deleterious by in silico analysis. Since supporting evidence is limited at this time, the clinical significance of this variant remains unclear.